The following is an entry in ClinVar:

ClinVar aggregate classification (germline): Pathogenic/Likely pathogenic. Review status: criteria provided, multiple submitters, no conflicts (2 of 4 stars). 15 submissions from 15 submitters: Pathogenic (11); Likely pathogenic (2). 2 of the submissions do not count toward it. Last evaluated 2026-03-22.

Conditions:
Ehlers-Danlos syndrome, cardiac valvular type. Identifiers: Orphanet 230851, MedGen C4303789, MONDO:0009159, OMIM 225320.
Ehlers-Danlos syndrome, arthrochalasia type, 2. Also called: EHLERS-DANLOS SYNDROME, TYPE VIIB, AUTOSOMAL DOMINANT. Identifiers: MedGen CN293783, MONDO:0040501, OMIM 617821.
Osteogenesis imperfecta with normal sclerae, dominant form (OI4). Also called: Osteogenesis imperfecta type 4; Common Variable Osteogenesis Imperfecta with Normal Sclerae; OSTEOGENESIS IMPERFECTA, TYPE IV, WITH DENTINOGENESIS IMPERFECTA; Osteogenesis Imperfecta Type IV; OSTEOGENESIS IMPERFECTA WITH NORMAL SCLERAE. Identifiers: Orphanet 216820, Orphanet 666, MedGen C0268363, MONDO:0008148, OMIM 166220.
Postmenopausal osteoporosis. Also called: BONE MINERAL DENSITY QUANTITATIVE TRAIT LOCUS; OSTEOPOROSIS, INVOLUTIONAL. Identifiers: MedGen C0029458, MONDO:0008159.
Osteogenesis imperfecta, perinatal lethal (OI2). Also called: OSTEOGENESIS IMPERFECTA, TYPE II; Osteogenesis imperfecta type 2; Osteogenesis imperfecta, dominant perinatal lethal; OI, TYPE II; OSTEOGENESIS IMPERFECTA CONGENITA; VROLIK TYPE OF OSTEOGENESIS IMPERFECTA. Identifiers: Orphanet 216804, MedGen C0268358, MONDO:0008147, OMIM 166210.
Osteogenesis imperfecta type III (OI3). Also called: Progressively Deforming Osteogenesis Imperfecta; Osteogenesis imperfecta type 3; OI type 3; Osteogenesis imperfecta, progressively deforming with normal sclerae; OI type III. Identifiers: Orphanet 216812, Orphanet 666, MedGen C0268362, MONDO:0009804, OMIM 259420.
COL1A2-related disorder. Also called: COL1A2-related condition; COL1A2-Related Disorders.
Osteogenesis imperfecta type I (OI1). Also called: Osteogenesis imperfecta type 1; Classic Non-deforming Osteogenesis Imperfecta with Blue Sclerae; Lobstein's Disease; Lobstein disease; OI, TYPE I; OSTEOGENESIS IMPERFECTA TARDA. Identifiers: Orphanet 216796, Orphanet 666, MedGen C0023931, MONDO:0008146, OMIM 166200. Disease mechanism: loss of function.
Ehlers-Danlos syndrome, classic type, 1 (EDSCL1). Also called: Ehlers-Danlos syndrome, type 1; Ehlers-Danlos Syndrome, Classic Type, COL5A1-Related; EDS I; EHLERS-DANLOS SYNDROME, GRAVIS TYPE; EHLERS-DANLOS SYNDROME, SEVERE CLASSIC TYPE. Identifiers: MedGen C0268335, MONDO:0019567, OMIM 130000.
Osteogenesis imperfecta (OI). Identifiers: Orphanet 666, MedGen C0029434, MeSH D010013, MONDO:0019019.

Allele frequency attached by ClinVar (database versions not stated): gnomAD exomes below 0.00001; TOPMed below 0.00001.
gnomAD v4.1: 1 of 1,606,436 alleles (0.000062%); highest among the groups gnomAD compares: Non-Finnish European, 0.000085%; no homozygotes.

Submissions 1 to 8 of 15:

PreventionGenetics, part of Exact Sciences
Classification: Pathogenic for COL1A2-related condition. Last evaluated: 2026-03-22. Review status: criteria provided, single submitter. Criteria: ACMG Guidelines, 2015. Collection method: clinical testing. Allele origin: germline.
Comment: The COL1A2 c.3034G>A variant is predicted to result in the amino acid substitution p.Gly1012Ser. This variant has been reported to be causative for COL1A2-related disorders (Marini et al. 1993. PubMed ID: 8094076, reported as p.Gly922Ser; Stephen et al. 2015. PubMed ID: 25450603; Dalgleish. 1997. PubMed ID: 9016532, see Table 7, reported as p.Gly922Ser; Lindahl et al. 2015. PubMed ID: 25944380). The p.Gly1012 residue is located in the conserved Gly-Xaa-Yaa triple helical domain where substitutions of a glycine are usually pathogenic (Marini et al. 2007. PubMed ID: 17078022). This variant is interpreted as pathogenic.

Clinical Biomedical Laboratory, Shriners Hospital For Children - Canada
Classification: Pathogenic for Osteogenesis imperfecta with normal sclerae, dominant form. Last evaluated: 2025-07-16. Review status: criteria provided, single submitter. Criteria: ACMG Guidelines, 2015. Collection method: clinical testing. Allele origin: germline. Affected: yes.
Comment: This variant is predicted to substitute a glycine residue by a serine residue in the alpha 2 chain of collagen type I. Glycine substitutions in the triple helical domain of collagen type I cause disruption in the formation of the triple helix in the collagen molecule and are a typical cause of osteogenesis imperfecta. This variant is absent from the Genome Aggregation Database v.2.1.1, indicating it is very rare. This variant has been reported in the literature (PMID 25944380, 27509835). We have observed this variant in the Shriners Hospital for Children Canada variant database in more than 10 unrelated individuals diagnosed with osteogenesis imperfecta. Prediction tools (REVEL: 0.99) suggest that the change is detrimental to protein function.

Labcorp Genetics (formerly Invitae), Labcorp
Classification: Pathogenic for Osteogenesis imperfecta type I; Ehlers-Danlos syndrome, classic type, 1. Last evaluated: 2025-06-03. Review status: criteria provided, single submitter. Criteria: Invitae Variant Classification Sherloc (09022015). Collection method: clinical testing. Allele origin: germline.
Comment: This sequence change replaces glycine, which is neutral and non-polar, with serine, which is neutral and polar, at codon 1012 of the COL1A2 protein (p.Gly1012Ser). This variant is not present in population databases (gnomAD no frequency). This missense change has been observed in individuals with autosomal dominant osteogenesis imperfecta (PMID: 8094076, 16705691, 22589248, 25450603, 27519266). ClinVar contains an entry for this variant (Variation ID: 216908). Invitae Evidence Modeling of protein sequence and biophysical properties (such as structural, functional, and spatial information, amino acid conservation, physicochemical variation, residue mobility, and thermodynamic stability) indicates that this missense variant is expected to disrupt COL1A2 protein function with a positive predictive value of 95%. This variant disrupts the triple helix domain of COL1A2. Glycine residues within the Gly-Xaa-Yaa repeats of the triple helix domain are required for the structure and stability of fibrillar collagens (PMID: 7695699, 8218237, 19344236). In COL1A2, variants affecting these glycine residues are significantly enriched in individuals with disease (PMID: 9016532, 17078022) compared to the general population (ExAC). For these reasons, this variant has been classified as Pathogenic.

Genomic Medicine Center of Excellence, King Faisal Specialist Hospital and Research Centre
Classification: Pathogenic for Ehlers-Danlos syndrome, arthrochalasia type, 2. Last evaluated: 2024-12-18. Review status: criteria provided, single submitter. Criteria: ACMG Guidelines, 2015. Collection method: clinical testing. Allele origin: germline.

Victorian Clinical Genetics Services, Murdoch Childrens Research Institute
Classification: Pathogenic for Osteogenesis imperfecta. Last evaluated: 2024-10-09. Review status: criteria provided, single submitter. Criteria: ACMG Guidelines, 2015. Collection method: clinical testing. Allele origin: germline. Inheritance: Autosomal dominant inheritance. Affected: yes.
Comment: Based on the classification scheme VCGS_Germline_v1.3.4, this variant is classified as Pathogenic. Following criteria are met: 0103 - Dominant negative and loss of function are known mechanisms of disease in this gene. Heterozygous missense variants causing severe and lethal forms of osteogenesis imperfecta (OI; MIM#166210, #259420, #166220) are due to a dominant negative mechanism, whereas biallelic loss of function variants result in the autosomal recessive form of Ehlers-Danlos syndrome (MIM#225320). The exact mechanism of disease for the autosomal dominant form of Ehlers-Danlos syndrome (MIM#2617821) remains unclear; however, variants have been shown to result in whole or partial skipping of exon 6 (PMID: 12362985, 31218159). (I) 0108 - This gene is associated with both recessive and dominant disease. Most phenotypes associated with this gene are autosomal dominant; however, the cardiac valvular type of Ehlers-Danlos syndrome (MIM#225320) is recessive (OMIM). (I) 0115 - Variants in this gene are known to have variable expressivity (PMID: 20301472). (I) 0200 - Variant is predicted to result in a missense amino acid change from glycine to serine. (I) 0251 - This variant is heterozygous. (I) 0301 - Variant is absent from gnomAD (both v2 and v3). (SP) 0501 - Missense variant consistently predicted to be damaging by multiple in silico tools or highly conserved with a major amino acid change. (SP) 0601 - Variant is located in the well-established functional Gly-X-Y motif and affects a glycine residue (DECIPHER). (SP) 0801 - This variant has strong previous evidence of pathogenicity in unrelated individuals. This variant has been classified as pathogenic or likely pathogenic by multiple clinical laboratories in ClinVar, and has been observed in multiple heterozygous individuals with moderate to severe OI, OI type III or OI type IV (PMID: 35052464, 33939306, 36951356, 32166892). (SP) Legend: (SP) - Supporting pathogenic, (I) - Information, (SB) - Supporting benign

Revvity Omics, Revvity
Classification: Pathogenic. Last evaluated: 2023-10-27. Review status: criteria provided, single submitter. Criteria: ACMG Guidelines, 2015. Collection method: clinical testing. Allele origin: germline.

Blueprint Genetics
Classification: Pathogenic for COL1A2-related disorders. Last evaluated: 2023-04-03. Review status: criteria provided, single submitter. Criteria: ACMG Guidelines, 2015. Collection method: clinical testing. Allele origin: germline. Affected: yes. Observed: 4 variant alleles.

GeneDx
Classification: Pathogenic. Last evaluated: 2021-12-10. Review status: criteria provided, single submitter. Criteria: GeneDx Variant Classification Process June 2021. Collection method: clinical testing. Allele origin: germline. Affected: yes.
Comment: Occurs in the triple helical domain and replaces a glycine in a canonical Gly-X-Y repeat; missense substitution of a canonical glycine residue is expected to disrupt normal protein folding and function, and this is an established mechanism of disease (Jovanovic M et al. 2021); Not observed in large population cohorts (gnomAD); In silico analysis supports that this missense variant has a deleterious effect on protein structure/function; This variant is associated with the following publications: (PMID: 16705691, 25944380, 29150909, 8094076, 17078022, 8401517, 9367795, 27519266, 15241796, 29807018, 30984112, 30692697, 33939306, 30715774, 31414283, 25450603)

NM_000089.4(COL1A2):c.3034G>A (p.Gly1012Ser)

Gene: COL1A2 (collagen type I alpha 2 chain; plus strand). Cytogenetic location: 7q21.3.
Variant type: single nucleotide variant.
Coding change: c.3034G>A on transcript NM_000089.4 (MANE Select); coding-DNA position 3034, G replaced by A.
Protein change: p.Gly1012Ser; replaces glycine 1012 with serine.
Molecular consequence: missense variant.
Genome position (GRCh38, 1-based): chr7:94,426,459, G>A. VCF-style: chr7-94426459-G-A. GRCh37 (hg19) VCF-style: chr7-94055771-G-A.
Other names: c.3034G>A (LRG_2t1); short protein forms G1012S.
Identifiers: ClinVar variation 216908 (VCV000216908.21), dbSNP rs72659319, ClinGen allele CA277502.